The following is an entry in ClinVar:

ClinVar aggregate classification (germline): Uncertain significance. Review status: criteria provided, single submitter (1 of 4 stars). 3 submissions from 3 submitters: Uncertain significance (1). 2 of the submissions do not count toward it. Last evaluated 2023-11-15.

Conditions:
Short stature. Identifiers: MedGen C0349588, HP:0004322.
CHD1L-related disorder. Also called: CHD1L-related condition.

Allele frequency attached by ClinVar (database versions not stated): gnomAD 0.00002; TOPMed 0.00002; ExAC 0.00003; gnomAD exomes 0.00003 and 0.00005.

Submissions (3):

Revvity Omics, Revvity
Classification: Uncertain significance. Last evaluated: 2023-11-15. Review status: criteria provided, single submitter. Criteria: ACMG Guidelines, 2015. Collection method: clinical testing. Allele origin: germline.

PreventionGenetics, part of Exact Sciences
Classification: Uncertain significance for CHD1L-related condition. Last evaluated: 2024-08-09. Review status: no assertion criteria provided. Collection method: clinical testing. Allele origin: germline. Not counted in ClinVar's aggregate classification.
Comment: The CHD1L c.1929delA variant is predicted to result in a frameshift and premature protein termination (p.Arg643Serfs*16). This variant was reported in a large preconception carrier screen cohort study (Supp. Table 1 in Capalbo et al 2019. PubMed ID: 31589614). This variant is reported in 0.0047% of alleles in individuals of European (non-Finnish) descent in gnomAD v2 and has also been reported in 67 of 1613948 alleles in gnomAD v4, indicating this variant is likely too common as an autosomal dominant variant. At this time, the clinical significance of this variant is uncertain due to the absence of conclusive functional and genetic evidence.

Institute of Human Genetics, FAU Erlangen, Friedrich-Alexander-Universität Erlangen-Nürnberg
Classification: Pathogenic for Short stature. Last evaluated: 2001-11-18. Review status: no assertion criteria provided. Collection method: case-control. Allele origin: unknown. Affected: yes. Not counted in ClinVar's aggregate classification.

NM_004284.6(CHD1L):c.1929del (p.Arg643fs)

Gene: CHD1L (chromodomain helicase DNA binding protein 1 like; plus strand). Cytogenetic location: 1q21.1.
Variant type: Deletion.
Coding change: c.1929del on transcript NM_004284.6 (MANE Select); coding-DNA position 1929, one base deleted (A; older notation c.1929delA).
Protein change: p.Arg643fs; shifts the reading frame from arginine 643.
Molecular consequence: frameshift variant. On other transcripts: non-coding transcript variant (16).
Genome position (GRCh38, 1-based): chr1:147,285,398, A deleted. VCF-style (leftmost placement, unchanged base first): chr1-147285397-GA-G. GRCh37 (hg19) VCF-style: chr1-146757074-GA-G.
Other names: c.1086del, p.Arg362fs (NM_001348457.2, NM_001348458.2, NM_001348459.2 and 9 more transcripts); c.1929delA (NM_004284.4); c.1590del, p.Arg530fs (NM_024568.4, NM_001348453.2); c.1629del, p.Arg543fs (NM_001256336.3); c.1317del, p.Arg439fs (NM_001256338.3); c.1713del, p.Arg571fs (NM_001348451.2, NM_001348452.2); c.1473del, p.Arg491fs (NM_001348454.2); c.1440del, p.Arg480fs (NM_001348455.2); short protein forms R480fs, R491fs, R543fs, R571fs, R439fs, R530fs, R362fs, R643fs.
Identifiers: ClinVar variation 599533 (VCV000599533.4), dbSNP rs782144677, ClinGen allele CA1063880.
Genomic context (GRCh38, chr1:147,285,397, plus strand): 5'-GCCTTGTGGAGGGATCTACCAAAAGGAAGCGGGTTCTGAGTCCAGAAGAGCTGGAGGACA[GA>G]CAGAAGAAAAGACAAGAAGCAGCTGCCAAGAGAAGGAGACTCATAGAGGAGAAGAAGAGG-3'